The following is an entry in ClinVar:

NM_015102.5(NPHP4):c.910G>A (p.Val304Ile)

Gene: NPHP4 (nephrocystin 4; minus strand). Cytogenetic location: 1p36.31.
Variant type: single nucleotide variant.
Coding change: c.910G>A on transcript NM_015102.5 (MANE Select); coding-DNA position 910, G replaced by A.
Protein change: p.Val304Ile; replaces valine 304 with isoleucine.
Molecular consequence: missense variant. On other transcripts: 5 prime UTR variant (2), non-coding transcript variant (1).
Genome position (GRCh38, 1-based): chr1:5,948,152, C>T on the plus strand (G>A on the coding strand, the complement: NPHP4 is on the minus strand). VCF-style: chr1-5948152-C-T. GRCh37 (hg19) VCF-style: chr1-6008212-C-T.
Other names: c.910G>A (NM_015102.3); c.-457G>A (NM_001291593.2, NM_001291594.2); short protein forms V304I.
Identifiers: ClinVar variation 1419053 (VCV001419053.6), dbSNP rs571395593, ClinGen allele CA554702.

ClinVar aggregate classification (germline): Uncertain significance. Review status: criteria provided, multiple submitters, no conflicts (2 of 4 stars). 3 submissions from 3 submitters: Uncertain significance (3). Last evaluated 2024-01-24.

Conditions:
Nephronophthisis. Also called: Juvenile Nephronophthisis. Identifiers: Orphanet 655, MedGen C0687120, MONDO:0019005, HP:0000090.
Inborn genetic diseases. Identifiers: MedGen C0950123, MeSH D030342.
Senior-Loken syndrome 4 (SLSN4). Identifiers: Orphanet 3156, MedGen C1846979, MONDO:0011756, OMIM 606996.
Nephronophthisis 4 (NPHP4). Also called: NEPHRONOPHTHISIS 4, JUVENILE. Identifiers: Orphanet 655, MedGen C1847013, MONDO:0011752, OMIM 606966.

Allele frequency attached by ClinVar (database versions not stated): gnomAD 0.00002 and 0.00003; gnomAD exomes 0.00002; ExAC 0.00003; TOPMed 0.00003; 1000 Genomes Project 0.00020; 1000 Genomes Project 30x 0.00031.
gnomAD v4.1: 36 of 1,613,610 alleles (0.0022%); highest among the groups gnomAD compares: East Asian, 0.011%; no homozygotes.

Submissions (3):

Labcorp Genetics (formerly Invitae), Labcorp
Classification: Uncertain significance for Nephronophthisis. Last evaluated: 2024-01-24. Review status: criteria provided, single submitter. Criteria: Invitae Variant Classification Sherloc (09022015). Collection method: clinical testing. Allele origin: germline.
Comment: This sequence change replaces valine, which is neutral and non-polar, with isoleucine, which is neutral and non-polar, at codon 304 of the NPHP4 protein (p.Val304Ile). This variant is present in population databases (rs571395593, gnomAD 0.008%). This variant has not been reported in the literature in individuals affected with NPHP4-related conditions. ClinVar contains an entry for this variant (Variation ID: 1419053). Advanced modeling of protein sequence and biophysical properties (such as structural, functional, and spatial information, amino acid conservation, physicochemical variation, residue mobility, and thermodynamic stability) has been performed at Invitae for this missense variant, however the output from this modeling did not meet the statistical confidence thresholds required to predict the impact of this variant on NPHP4 protein function. In summary, the available evidence is currently insufficient to determine the role of this variant in disease. Therefore, it has been classified as a Variant of Uncertain Significance.

Ambry Genetics
Classification: Uncertain significance for Inborn genetic diseases. Last evaluated: 2023-06-30. Review status: criteria provided, single submitter. Criteria: Ambry Variant Classification Scheme 2023. Collection method: clinical testing. Allele origin: germline.

Fulgent Genetics
Classification: Uncertain significance for Nephronophthisis 4; Senior-Loken syndrome 4. Last evaluated: 2022-05-05. Review status: criteria provided, single submitter. Criteria: ACMG Guidelines, 2015. Collection method: clinical testing. Allele origin: unknown.